The following is an entry in ClinVar:

ClinVar aggregate classification (germline): Uncertain significance. Review status: criteria provided, multiple submitters, no conflicts (2 of 4 stars). 4 submissions from 4 submitters: Uncertain significance (4). Last evaluated 2026-08-01.

Conditions:
Emery-Dreifuss muscular dystrophy 5, autosomal dominant (EDMD5). Also called: EMERY-DREIFUSS MUSCULAR DYSTROPHY 5. Identifiers: Orphanet 261, MedGen C2751805, MONDO:0013072, OMIM 612999.

Allele frequency attached by ClinVar (database versions not stated): gnomAD 0.00001; gnomAD exomes 0.00001 and 0.00002; ExAC 0.00002; TOPMed 0.00002.
gnomAD v4.1: 35 of 1,613,546 alleles (0.0022%); highest among the groups gnomAD compares: Middle Eastern, 0.016%; no homozygotes.

Submissions (4):

CeGaT Center for Human Genetics Tuebingen
Classification: Uncertain significance. Last evaluated: 2026-08-01. Review status: criteria provided, single submitter. Criteria: CeGaT Center For Human Genetics Tuebingen Variant Classification Criteria Version 2. Collection method: clinical testing. Allele origin: germline. Affected: yes. Observed: 3 variant alleles.

Labcorp Genetics (formerly Invitae), Labcorp
Classification: Uncertain significance for Emery-Dreifuss muscular dystrophy 5, autosomal dominant. Last evaluated: 2025-12-01. Review status: criteria provided, single submitter. Criteria: Invitae Variant Classification Sherloc (09022015). Collection method: clinical testing. Allele origin: germline.
Comment: This sequence change replaces glutamic acid, which is acidic and polar, with glutamine, which is neutral and polar, at codon 4394 of the SYNE2 protein (p.Glu4394Gln). This variant is present in population databases (rs757620618, gnomAD 0.003%). This variant has not been reported in the literature in individuals affected with SYNE2-related conditions. ClinVar contains an entry for this variant (Variation ID: 425044). An algorithm developed to predict the effect of missense changes on protein structure and function (PolyPhen-2) suggests that this variant is likely to be disruptive. In summary, the available evidence is currently insufficient to determine the role of this variant in disease. Therefore, it has been classified as a Variant of Uncertain Significance.

Revvity Omics, Revvity
Classification: Uncertain significance for Emery-Dreifuss muscular dystrophy 5, autosomal dominant. Last evaluated: 2024-06-20. Review status: criteria provided, single submitter. Criteria: ACMG Guidelines, 2015. Collection method: clinical testing. Allele origin: germline.

Ambry Genetics
Classification: Uncertain significance. Last evaluated: 2024-01-17. Review status: criteria provided, single submitter. Criteria: Ambry Variant Classification Scheme 2023. Collection method: clinical testing. Allele origin: germline.

NM_182914.3(SYNE2):c.13180G>C (p.Glu4394Gln)

Gene: SYNE2 (spectrin repeat containing nuclear envelope protein 2; plus strand). Cytogenetic location: 14q23.2.
Variant type: single nucleotide variant.
Coding change: c.13180G>C on transcript NM_182914.3 (MANE Select); coding-DNA position 13180, G replaced by C.
Protein change: p.Glu4394Gln; replaces glutamic acid 4394 with glutamine.
Molecular consequence: missense variant.
Genome position (GRCh38, 1-based): chr14:64,122,033, G>C. VCF-style: chr14-64122033-G-C. GRCh37 (hg19) VCF-style: chr14-64588751-G-C.
Other names: c.13180G>C, p.Glu4394Gln (NM_015180.6); c.13180G>C (NM_182914.2); short protein forms E4394Q.
Identifiers: ClinVar variation 425044 (VCV000425044.49), dbSNP rs757620618, ClinGen allele CA7222368.